The following is an entry in ClinVar:

NM_004656.4(BAP1):c.931+3A>T

Gene: BAP1 (BRCA1 associated deubiquitinase 1; minus strand). Cytogenetic location: 3p21.1.
Variant type: single nucleotide variant.
Coding change: c.931+3A>T on transcript NM_004656.4 (MANE Select); 3 bases into the intron after coding-DNA position 931, A replaced by T.
Molecular consequence: intron variant.
Genome position (GRCh38, 1-based): chr3:52,405,762, T>A on the plus strand (A>T on the coding strand, the complement: BAP1 is on the minus strand). VCF-style: chr3-52405762-T-A. GRCh37 (hg19) VCF-style: chr3-52439778-T-A.
Identifiers: ClinVar variation 937013 (VCV000937013.7), dbSNP rs1705135424, ClinGen allele CA1139658120.

ClinVar aggregate classification (germline): Uncertain significance (1 of 4 stars; one submission).

Conditions:
BAP1-related tumor predisposition syndrome (TPDS1). Also called: Tumor susceptibility linked to germline BAP1 mutations; COMMON Syndrome; BAP1 tumor predisposition syndrome; TUMOR PREDISPOSITION SYNDROME 1. Identifiers: Orphanet 289539, MedGen C3280492, MONDO:0013692, OMIM 614327.

Submission:

Labcorp Genetics (formerly Invitae), Labcorp
Classification: Uncertain significance for BAP1-related tumor predisposition syndrome. Last evaluated: 2019-09-02. Review status: criteria provided, single submitter. Criteria: Invitae Variant Classification Sherloc (09022015). Collection method: clinical testing. Allele origin: germline.
Comment: This sequence change falls in intron 10 of the BAP1 gene. It does not directly change the encoded amino acid sequence of the BAP1 protein, but it affects a nucleotide within the consensus splice site of the intron. This variant is not present in population databases (ExAC no frequency). In summary, the available evidence is currently insufficient to determine the role of this variant in disease. Therefore, it has been classified as a Variant of Uncertain Significance. Nucleotide substitutions within the consensus splice site are a relatively common cause of aberrant splicing (PMID: 17576681, 9536098). Algorithms developed to predict the effect of sequence changes on RNA splicing suggest that this variant may disrupt the consensus splice site, but this prediction has not been confirmed by published transcriptional studies. This variant has not been reported in the literature in individuals with BAP1-related conditions.

Literature cited by the submitters: PubMed 17576681; PubMed 9536098.